The following is an entry in ClinVar:

NR_003137.3(RNU4-2):n.75C>G

Genes: RNU4-2 (RNA, U4 small nuclear 2; minus strand), SIRT4 (sirtuin 4; plus strand). Cytogenetic location: 12q24.23.
Variant type: single nucleotide variant.
Molecular consequence: non-coding transcript variant (on NR_003137.3).
Genome position: GRCh38 VCF-style: chr12-120291829-G-C. GRCh37 (hg19) VCF-style: chr12-120729632-G-C.
Identifiers: ClinVar variation 3766423 (VCV003766423.1).

ClinVar aggregate classification (germline): Likely pathogenic (1 of 4 stars; one submission).

Conditions:
Neurodevelopmental disorder with hypotonia, brain anomalies, distinctive facies, and absent language. Also called: RNU4-2-Related Neurodevelopmental Disorder; RNU4-2–Related Autosomal Dominant Neurodevelopmental Disorder; ReNU SYNDROME. Identifiers: Orphanet 686488, MedGen C5935628, MONDO:0971172, OMIM 620851.

Submission:

Institute for Human Genetics, University Hospital Essen
Classification: Likely pathogenic for Neurodevelopmental disorder with hypotonia, brain anomalies, distinctive facies, and absent language. Last evaluated: 2005-03-05. Review status: criteria provided, single submitter. Criteria: ACMG Guidelines, 2015. Collection method: clinical testing. Allele origin: de novo. Inheritance: Autosomal dominant inheritance. Affected: yes.
Comment: PM2_supp, PS2, PS3